The following is an entry in ClinVar:

ClinVar aggregate classification (germline): Uncertain significance. Review status: criteria provided, multiple submitters, no conflicts (2 of 4 stars). 2 submissions from 2 submitters: Uncertain significance (2). Last evaluated 2022-08-01.

Allele frequency attached by ClinVar (database versions not stated): gnomAD exomes 0.00006 and 0.00001; gnomAD 0.00007 and 0.00005; TOPMed 0.00008; 1000 Genomes Project 0.00060; 1000 Genomes Project 30x 0.00062; ExAC 0.00006.
gnomAD v4.1: 31 of 1,614,054 alleles (0.0019%); highest among the groups gnomAD compares: Admixed American, 0.028%; no homozygotes.

Submissions (2):

CeGaT Center for Human Genetics Tuebingen
Classification: Uncertain significance. Last evaluated: 2022-08-01. Review status: criteria provided, single submitter. Criteria: CeGaT Center For Human Genetics Tuebingen Variant Classification Criteria Version 2. Collection method: clinical testing. Allele origin: germline. Affected: yes. Observed: 1 variant allele.
Comment: SYNE1: PM2, BP4

Athena Diagnostics
Classification: Uncertain significance. Last evaluated: 2018-08-28. Review status: criteria provided, single submitter. Criteria: Athena Diagnostics Criteria. Collection method: clinical testing. Allele origin: germline.

NM_182961.4(SYNE1):c.11848C>T (p.Leu3950Phe)

Gene: SYNE1 (spectrin repeat containing nuclear envelope protein 1; minus strand). Cytogenetic location: 6q25.2.
Variant type: single nucleotide variant.
Coding change: c.11848C>T on transcript NM_182961.4 (MANE Select); coding-DNA position 11848, C replaced by T.
Protein change: p.Leu3950Phe; replaces leucine 3950 with phenylalanine.
Molecular consequence: missense variant. On other transcripts: intron variant (1).
Genome position (GRCh38, 1-based): chr6:152,350,221, G>A on the plus strand (C>T on the coding strand, the complement: SYNE1 is on the minus strand). VCF-style: chr6-152350221-G-A. GRCh37 (hg19) VCF-style: chr6-152671356-G-A.
Other names: c.11688+397C>T (NM_033071.5); short protein forms L3950F.
Identifiers: ClinVar variation 805544 (VCV000805544.31), dbSNP rs182154754, ClinGen allele CA4056567.
Genomic context (GRCh38, chr6:152,350,221, plus strand): 5'-GGGGTACCTTGTGGTGGGCCAATTGCTGGGTGATTGTCTCCAGGCTGCTTGTCTCCAGGA[G>A]GTCAGGTGCCACCAGTCTGCCAGACATCTGCAGCAGCCACTTTTCGACCTCTTGGAGCTC-3'
Protein context (NP_892006.3, residues 3940-3960): QMSGRLVAPD[Leu3950Phe]LETSSLETIT